The following is an entry in ClinVar:

NM_001291303.3(FAT4):c.1720G>C (p.Asp574His)

Gene: FAT4 (FAT atypical cadherin 4; plus strand). Cytogenetic location: 4q28.1.
Variant type: single nucleotide variant.
Coding change: c.1720G>C on transcript NM_001291303.3 (MANE Select); coding-DNA position 1720, G replaced by C.
Protein change: p.Asp574His; replaces aspartic acid 574 with histidine.
Molecular consequence: missense variant.
Genome position (GRCh38, 1-based): chr4:125,318,131, G>C. VCF-style: chr4-125318131-G-C. GRCh37 (hg19) VCF-style: chr4-126239286-G-C.
Other names: c.1720G>C, p.Asp574His (NM_001291285.3, NM_024582.6); short protein forms D574H.
Identifiers: ClinVar variation 1995532 (VCV001995532.4), dbSNP rs2530430026, ClinGen allele CA358118487.
Genomic context (GRCh38, chr4:125,318,131, plus strand): 5'-GCCCGGGACCAGGGAGTTCACCCCAAGGTGTCCTATGCCCAGCTTGTAGTAACTCTCCTA[G>C]ATGTGAATGATGAAAAGCCAGTATTTAGCCAGCCAGAAGGGTATGATGTGTCTGTGGTTG-3'
Protein context (NP_001278232.1, residues 564-584): SYAQLVVTLL[Asp574His]VNDEKPVFSQ

ClinVar aggregate classification (germline): Uncertain significance (1 of 4 stars; one submission).

Submission:

Labcorp Genetics (formerly Invitae), Labcorp
Classification: Uncertain significance. Last evaluated: 2022-06-13. Review status: criteria provided, single submitter. Criteria: Invitae Variant Classification Sherloc (09022015). Collection method: clinical testing. Allele origin: germline.
Comment: In summary, the available evidence is currently insufficient to determine the role of this variant in disease. Therefore, it has been classified as a Variant of Uncertain Significance. Advanced modeling of protein sequence and biophysical properties (such as structural, functional, and spatial information, amino acid conservation, physicochemical variation, residue mobility, and thermodynamic stability) performed at Invitae indicates that this missense variant is expected to disrupt FAT4 protein function. This variant has not been reported in the literature in individuals affected with FAT4-related conditions. This variant is not present in population databases (gnomAD no frequency). This sequence change replaces aspartic acid, which is acidic and polar, with histidine, which is basic and polar, at codon 574 of the FAT4 protein (p.Asp574His).